The following is an entry in ClinVar:

ClinVar aggregate classification (germline): Uncertain significance. Review status: criteria provided, multiple submitters, no conflicts (2 of 4 stars). 3 submissions from 3 submitters: Uncertain significance (3). Last evaluated 2023-09-25.

Conditions:
Inborn genetic diseases. Identifiers: MedGen C0950123, MeSH D030342.

Allele frequency attached by ClinVar (database versions not stated): TOPMed 0.00002; gnomAD 0.00003 and 0.00004; gnomAD exomes 0.00007.
gnomAD v4.1: 83 of 1,236,634 alleles (0.0067%); highest among the groups gnomAD compares: Non-Finnish European, 0.0083%; no homozygotes.

Submissions (3):

Ambry Genetics
Classification: Uncertain significance for Inborn genetic diseases. Last evaluated: 2023-09-25. Review status: criteria provided, single submitter. Criteria: Ambry Variant Classification Scheme 2023. Collection method: clinical testing. Allele origin: germline.

Labcorp Genetics (formerly Invitae), Labcorp
Classification: Uncertain significance. Last evaluated: 2022-05-27. Review status: criteria provided, single submitter. Criteria: Invitae Variant Classification Sherloc (09022015). Collection method: clinical testing. Allele origin: germline.
Comment: This sequence change replaces alanine, which is neutral and non-polar, with valine, which is neutral and non-polar, at codon 5 of the LAMC3 protein (p.Ala5Val). This variant is present in population databases (no rsID available, gnomAD 0.01%). This variant has not been reported in the literature in individuals affected with LAMC3-related conditions. ClinVar contains an entry for this variant (Variation ID: 429947). Algorithms developed to predict the effect of missense changes on protein structure and function output the following: SIFT: "Tolerated"; PolyPhen-2: "Not Available"; Align-GVGD: "Class C0". The valine amino acid residue is found in multiple mammalian species, which suggests that this missense change does not adversely affect protein function. In summary, the available evidence is currently insufficient to determine the role of this variant in disease. Therefore, it has been classified as a Variant of Uncertain Significance.

GeneDx
Classification: Uncertain significance. Last evaluated: 2017-04-24. Review status: criteria provided, single submitter. Criteria: GeneDx Variant Classification (06012015). Collection method: clinical testing. Allele origin: germline. Affected: yes.
Comment: A variant of uncertain significance has been identified in the LAMC3 gene. The A5V variant has not been published as a pathogenic variant, nor has it been reported as a benign variant to our knowledge. Adequate data is not available in large population cohorts to assess the frequency of this variant in publicly available databases; however, this variant has not been detected at a significant frequency in presumably healthy individuals tested at GeneDx. The A5V variant is a conservative amino acid substitution, which is not likely to impact secondary protein structure as these residues share similar properties. This substitution occurs at a position that is not conserved. In silico analysis is inconsistent in its predictions as to whether or not the variant is damaging to the protein structure/function. Based on the currently available information, it is unclear whether this variant is a pathogenic variant or a rare benign variant.

NM_006059.4(LAMC3):c.14C>T (p.Ala5Val)

Gene: LAMC3 (laminin subunit gamma 3; plus strand). Cytogenetic location: 9q34.12.
Variant type: single nucleotide variant.
Coding change: c.14C>T on transcript NM_006059.4 (MANE Select); coding-DNA position 14, C replaced by T.
Protein change: p.Ala5Val; replaces alanine 5 with valine.
Molecular consequence: missense variant.
Genome position (GRCh38, 1-based): chr9:131,009,228, C>T. VCF-style: chr9-131009228-C-T. GRCh37 (hg19) VCF-style: chr9-133884615-C-T.
Other names: short protein forms A5V.
Identifiers: ClinVar variation 429947 (VCV000429947.7), dbSNP rs1131691691, ClinGen allele CA375250203.